The following is an entry in ClinVar:

NM_001286445.3(RIPOR2):c.1481C>A (p.Pro494Gln)

Gene: RIPOR2 (RHO family interacting cell polarization regulator 2; minus strand). Cytogenetic location: 6p22.3.
Variant type: single nucleotide variant.
Coding change: c.1481C>A on transcript NM_001286445.3 (MANE Select); coding-DNA position 1481, C replaced by A.
Protein change: p.Pro494Gln; replaces proline 494 with glutamine.
Molecular consequence: missense variant.
Genome position (GRCh38, 1-based): chr6:24,843,238, G>T on the plus strand (C>A on the coding strand, the complement: RIPOR2 is on the minus strand). VCF-style: chr6-24843238-G-T. GRCh37 (hg19) VCF-style: chr6-24843466-G-T.
Other names: c.1496C>A, p.Pro499Gln (NM_001286446.3); c.1394C>A, p.Pro465Gln (NM_001286447.2, NM_001346031.2, NM_001346032.2 and 1 more transcripts); c.1544C>A, p.Pro515Gln (NM_014722.5); c.1544C>A (NM_014722.4); short protein forms P465Q, P494Q, P499Q, P515Q.
Identifiers: ClinVar variation 2075535 (VCV002075535.6), dbSNP rs201683408, ClinGen allele CA3659244.

ClinVar aggregate classification (germline): Uncertain significance. Review status: criteria provided, multiple submitters, no conflicts (2 of 4 stars). 3 submissions from 3 submitters: Uncertain significance (3). Last evaluated 2026-02-03.

Conditions:
RIPOR2-related disorder. Also called: RIPOR2-related condition.

Allele frequency attached by ClinVar (database versions not stated): ExAC 0.00007; ESP Exome Variant Server 0.00025; 1000 Genomes Project 30x 0.00031.
gnomAD v4.1: 127 of 1,614,020 alleles (0.0079%); highest among the groups gnomAD compares: Middle Eastern, 0.2%; 1 homozygote.

Submissions (3):

PreventionGenetics, part of Exact Sciences
Classification: Uncertain significance for RIPOR2-related condition. Last evaluated: 2026-02-03. Review status: criteria provided, single submitter. Criteria: ACMG Guidelines, 2015. Collection method: clinical testing. Allele origin: germline.
Comment: The RIPOR2 c.1544C>A variant is predicted to result in the amino acid substitution p.Pro515Gln. To our knowledge, this variant has not been reported in the literature. This variant is reported in 0.097% of alleles in individuals of Ashkenazi Jewish descent in gnomAD. Although we suspect that this variant may be benign, at this time, the clinical significance of this variant is uncertain due to the absence of conclusive functional and genetic evidence.

Labcorp Genetics (formerly Invitae), Labcorp
Classification: Uncertain significance. Last evaluated: 2025-11-11. Review status: criteria provided, single submitter. Criteria: Invitae Variant Classification Sherloc (09022015). Collection method: clinical testing. Allele origin: germline.
Comment: This sequence change replaces proline, which is neutral and non-polar, with glutamine, which is neutral and polar, at codon 515 of the FAM65B protein (p.Pro515Gln). This variant is present in population databases (rs201683408, gnomAD 0.09%), and has an allele count higher than expected for a pathogenic variant. This variant has not been reported in the literature in individuals affected with FAM65B-related conditions. ClinVar contains an entry for this variant (Variation ID: 2075535). An algorithm developed to predict the effect of missense changes on protein structure and function (PolyPhen-2) suggests that this variant is likely to be tolerated. In summary, the available evidence is currently insufficient to determine the role of this variant in disease. Therefore, it has been classified as a Variant of Uncertain Significance.

Ambry Genetics
Classification: Uncertain significance. Last evaluated: 2021-07-13. Review status: criteria provided, single submitter. Criteria: Ambry Variant Classification Scheme 2023. Collection method: clinical testing. Allele origin: germline.